The following is an entry in ClinVar:

ClinVar aggregate classification (germline): Likely pathogenic (1 of 4 stars; one submission).

Submission:

GeneDx
Classification: Likely pathogenic. Last evaluated: 2025-10-29. Review status: criteria provided, single submitter. Criteria: GeneDx Variant Classification Process June 2021. Collection method: clinical testing. Allele origin: germline.
Comment: Reported in a patient with hereditary spastic paraplegia in published literature; however, no further clinical or segregation information was provided (PMID: 18701882); Nonsense variant predicted to result in protein truncation, as the last 49 amino acid(s) are lost, and other loss-of-function variants have been reported downstream in HGMD; Not observed at significant frequency in large population cohorts (gnomAD); This variant is associated with the following publications: (PMID: 25525159, 21139634, 26094131, 38403837, 18701882)

NM_014946.4(SPAST):c.1702C>T (p.Gln568Ter)

Gene: SPAST (spastin; plus strand). Cytogenetic location: 2p22.3.
Variant type: single nucleotide variant.
Coding change: c.1702C>T on transcript NM_014946.4 (MANE Select); coding-DNA position 1702, C replaced by T.
Protein change: p.Gln568Ter; replaces glutamine 568 with a stop codon.
Molecular consequence: nonsense. On other transcripts: missense variant (1).
Genome position (GRCh38, 1-based): chr2:32,147,232, C>T. VCF-style: chr2-32147232-C-T. GRCh37 (hg19) VCF-style: chr2-32372301-C-T.
Other names: c.1699C>T, p.Gln567Ter (NM_001363823.2); c.1603C>T, p.Gln535Ter (NM_001363875.2); c.1535C>T, p.Thr512Ile (NM_001377959.1); c.1606C>T, p.Gln536Ter (NM_199436.2); short protein forms Q535*, Q536*, Q567*, Q568*, T512I.
Identifiers: ClinVar variation 3769788 (VCV003769788.2).